The following is an entry in ClinVar:

ClinVar aggregate classification (germline): Uncertain significance (1 of 4 stars; one submission).

Conditions:
Dyskeratosis congenita, autosomal recessive 6 (DKCB6). Identifiers: MedGen C4225356, MONDO:0014600, OMIM 616353.
Pulmonary fibrosis and/or bone marrow failure, Telomere-related, 4. Also called: PULMONARY FIBROSIS AND/OR BONE MARROW FAILURE SYNDROME, TELOMERE-RELATED, 4. Identifiers: Orphanet 2032, MedGen C4225347, MONDO:0014612, OMIM 616371.

Submission:

Labcorp Genetics (formerly Invitae), Labcorp
Classification: Uncertain significance for Dyskeratosis congenita, autosomal recessive 6; Pulmonary fibrosis and/or bone marrow failure, Telomere-related, 4. Last evaluated: 2022-05-24. Review status: criteria provided, single submitter. Criteria: Invitae Variant Classification Sherloc (09022015). Collection method: clinical testing. Allele origin: germline.
Comment: This sequence change replaces isoleucine, which is neutral and non-polar, with methionine, which is neutral and non-polar, at codon 181 of the PARN protein (p.Ile181Met). This variant is not present in population databases (gnomAD no frequency). This variant has not been reported in the literature in individuals affected with PARN-related conditions. Algorithms developed to predict the effect of missense changes on protein structure and function are either unavailable or do not agree on the potential impact of this missense change (SIFT: "Deleterious"; PolyPhen-2: "Possibly Damaging"; Align-GVGD: "Class C0"). In summary, the available evidence is currently insufficient to determine the role of this variant in disease. Therefore, it has been classified as a Variant of Uncertain Significance.

NM_002582.4(PARN):c.543T>G (p.Ile181Met)

Gene: PARN (poly(A)-specific ribonuclease; minus strand). Cytogenetic location: 16p13.12.
Variant type: single nucleotide variant.
Coding change: c.543T>G on transcript NM_002582.4 (MANE Select); coding-DNA position 543, T replaced by G.
Protein change: p.Ile181Met; replaces isoleucine 181 with methionine.
Molecular consequence: missense variant.
Genome position (GRCh38, 1-based): chr16:14,610,655, A>C on the plus strand (T>G on the coding strand, the complement: PARN is on the minus strand). VCF-style: chr16-14610655-A-C. GRCh37 (hg19) VCF-style: chr16-14704512-A-C.
Other names: c.360T>G, p.Ile120Met (NM_001134477.3); c.405T>G, p.Ile135Met (NM_001242992.2); short protein forms I120M, I135M, I181M.
Identifiers: ClinVar variation 1997092 (VCV001997092.4), dbSNP rs2508389732, ClinGen allele CA394810032.